The following is an entry in ClinVar:

NM_058246.4(DNAJB6):c.340_341delinsGA (p.Phe114Asp)

Gene: DNAJB6 (DnaJ heat shock protein family (Hsp40) member B6; plus strand). Cytogenetic location: 7q36.3.
Variant type: Indel.
Coding change: c.340_341delinsGA on transcript NM_058246.4 (MANE Select); coding-DNA positions 340 to 341, TT replaced by GA.
Protein change: p.Phe114Asp; replaces phenylalanine 114 with aspartic acid.
Molecular consequence: missense variant.
Genome position (GRCh38, 1-based): chr7:157,367,477-157,367,478, TT replaced by GA. VCF-style: chr7-157367477-TT-GA. GRCh37 (hg19) VCF-style: chr7-157160171-TT-GA.
Other names: c.340_341delinsGA, p.Phe114Asp (NM_001363676.1, NM_005494.3); short protein forms F114D.
Identifiers: ClinVar variation 3014118 (VCV003014118.3), dbSNP rs2536010400, ClinGen allele CA2740094958.

ClinVar aggregate classification (germline): Uncertain significance (1 of 4 stars; one submission).

Conditions:
Autosomal dominant limb-girdle muscular dystrophy type 1D (DNAJB6) (LGMDD1). Also called: Autosomal dominant limb-girdle muscular dystrophy type 1D; Muscular dystrophy, limb-girdle, autosomal dominant 1; MUSCULAR DYSTROPHY, AUTOSOMAL DOMINANT, WITH RIMMED VACUOLES; MUSCULAR DYSTROPHY, LIMB-GIRDLE, TYPE 1D. Identifiers: Orphanet 34516, MedGen C4721885, MONDO:0021018, OMIM 603511.

Submission:

Labcorp Genetics (formerly Invitae), Labcorp
Classification: Uncertain significance for Autosomal dominant limb-girdle muscular dystrophy type 1D (DNAJB6). Last evaluated: 2025-07-31. Review status: criteria provided, single submitter. Criteria: Invitae Variant Classification Sherloc (09022015). Collection method: clinical testing. Allele origin: germline.
Comment: This sequence change replaces phenylalanine, which is neutral and non-polar, with aspartic acid, which is acidic and polar, at codon 114 of the DNAJB6 protein (p.Phe114Asp). The frequency data for this variant in the population databases is considered unreliable, as metrics indicate poor data quality at this position in the gnomAD database. This variant has not been reported in the literature in individuals affected with DNAJB6-related conditions. ClinVar contains an entry for this variant (Variation ID: 3014118). An algorithm developed to predict the effect of missense changes on protein structure and function (PolyPhen-2) suggests that this variant is likely to be tolerated. In summary, the available evidence is currently insufficient to determine the role of this variant in disease. Therefore, it has been classified as a Variant of Uncertain Significance.